The following is an entry in ClinVar:

NM_030665.4(RAI1):c.5535G>C (p.Leu1845=)

Gene: RAI1 (retinoic acid induced 1; plus strand). Cytogenetic location: 17p11.2.
Variant type: single nucleotide variant.
Coding change: c.5535G>C on transcript NM_030665.4 (MANE Select); coding-DNA position 5535, G replaced by C.
Protein change: p.Leu1845=; no amino-acid change (leucine 1845 retained).
Molecular consequence: synonymous variant.
Genome position (GRCh38, 1-based): chr17:17,798,483, G>C. VCF-style: chr17-17798483-G-C. GRCh37 (hg19) VCF-style: chr17-17701797-G-C.
Other names: c.5535G>C (NM_030665.3).
Identifiers: ClinVar variation 2165844 (VCV002165844.9), dbSNP rs1206595606, ClinGen allele CA498425660.

ClinVar aggregate classification (germline): Likely benign. Review status: criteria provided, multiple submitters, no conflicts (2 of 4 stars). 3 submissions from 3 submitters: Likely benign (3). Last evaluated 2026-06-01.

Conditions:
RAI1-related disorder. Also called: RAI1-related condition.

Allele frequency attached by ClinVar (database versions not stated): TOPMed below 0.00001.

Submissions (3):

CeGaT Center for Human Genetics Tuebingen
Classification: Likely benign. Last evaluated: 2026-06-01. Review status: criteria provided, single submitter. Criteria: CeGaT Center For Human Genetics Tuebingen Variant Classification Criteria Version 2. Collection method: clinical testing. Allele origin: germline. Affected: yes. Observed: 2 variant alleles.
Comment: RAI1: PM2:Supporting, BP4, BP7

PreventionGenetics, part of Exact Sciences
Classification: Likely benign for RAI1-related condition. Last evaluated: 2026-04-11. Review status: criteria provided, single submitter. Criteria: ACMG Guidelines, 2015. Collection method: clinical testing. Allele origin: germline.
Comment: This variant is classified as likely benign based on ACMG/AMP sequence variant interpretation guidelines (Richards et al. 2015 PMID: 25741868, with internal and published modifications).

Labcorp Genetics (formerly Invitae), Labcorp
Classification: Likely benign. Last evaluated: 2022-11-12. Review status: criteria provided, single submitter. Criteria: Invitae Variant Classification Sherloc (09022015). Collection method: clinical testing. Allele origin: germline.